The following is an entry in ClinVar:

NM_152384.3(BBS5):c.190T>C (p.Leu64=)

Gene: BBS5 (Bardet-Biedl syndrome 5; plus strand). Cytogenetic location: 2q31.1.
Variant type: single nucleotide variant.
Coding change: c.190T>C on transcript NM_152384.3 (MANE Select); coding-DNA position 190, T replaced by C.
Protein change: p.Leu64=; no amino-acid change (leucine 64 retained).
Molecular consequence: synonymous variant.
Genome position (GRCh38, 1-based): chr2:169,487,116, T>C. VCF-style: chr2-169487116-T-C. GRCh37 (hg19) VCF-style: chr2-170343626-T-C.
Identifiers: ClinVar variation 698144 (VCV000698144.18), dbSNP rs777369461, ClinGen allele CA1956139.

ClinVar aggregate classification (germline): Benign/Likely benign. Review status: criteria provided, multiple submitters, no conflicts (2 of 4 stars). 5 submissions from 5 submitters: Benign (1); Likely benign (3). 1 of the submissions does not count toward it. Last evaluated 2026-01-26.

Conditions:
BBS5-related disorder. Also called: BBS5-related condition.
Bardet-Biedl syndrome 5 (BBS5). Identifiers: Orphanet 110, MedGen C3892039, MONDO:0014434, OMIM 615983.
Bardet-Biedl syndrome (BBS). Identifiers: Orphanet 110, MedGen C0752166, MONDO:0015229.

Allele frequency attached by ClinVar (database versions not stated): gnomAD 0.00005; gnomAD exomes 0.00006 and 0.00033; TOPMed 0.00013; ExAC 0.00031.
gnomAD v4.1: 94 of 1,610,870 alleles (0.0058%); highest among the groups gnomAD compares: Admixed American, 0.16%; no homozygotes.

Submissions (5):

Labcorp Genetics (formerly Invitae), Labcorp
Classification: Benign for Bardet-Biedl syndrome. Last evaluated: 2026-01-26. Review status: criteria provided, single submitter. Criteria: Invitae Variant Classification Sherloc (09022015). Collection method: clinical testing. Allele origin: germline.

Blueprint Genetics
Classification: Likely benign. Last evaluated: 2023-04-25. Review status: criteria provided, single submitter. Criteria: ACMG Guidelines, 2015. Collection method: clinical testing. Allele origin: germline.

Fulgent Genetics
Classification: Likely benign for Bardet-Biedl syndrome 5. Last evaluated: 2021-08-10. Review status: criteria provided, single submitter. Criteria: ACMG Guidelines, 2015. Collection method: clinical testing. Allele origin: unknown.

Genetic Services Laboratory, University of Chicago
Classification: Likely benign. Last evaluated: 2020-02-21. Review status: criteria provided, single submitter. Criteria: ACMG Guidelines, 2015. Collection method: clinical testing. Allele origin: germline. Affected: no.

PreventionGenetics, part of Exact Sciences
Classification: Likely benign for BBS5-related condition. Last evaluated: 2019-09-18. Review status: no assertion criteria provided. Collection method: clinical testing. Allele origin: germline. Not counted in ClinVar's aggregate classification.
Comment: This variant is classified as likely benign based on ACMG/AMP sequence variant interpretation guidelines (Richards et al. 2015 PMID: 25741868, with internal and published modifications).